The following is an entry in ClinVar:

ClinVar aggregate classification (germline): Uncertain significance (1 of 4 stars; one submission).

Conditions:
Fanconi anemia (FA). Also called: Fanconi's anemia. Identifiers: Orphanet 84, MedGen C0015625, MeSH D005199, MONDO:0019391.

Submission:

Labcorp Genetics (formerly Invitae), Labcorp
Classification: Uncertain significance for Fanconi anemia. Last evaluated: 2026-01-25. Review status: criteria provided, single submitter. Criteria: Invitae Variant Classification Sherloc (09022015). Collection method: clinical testing. Allele origin: germline.
Comment: This sequence change replaces valine, which is neutral and non-polar, with isoleucine, which is neutral and non-polar, at codon 222 of the FANCB protein (p.Val222Ile). This variant is not present in population databases (gnomAD no frequency). This variant has not been reported in the literature in individuals affected with FANCB-related conditions. ClinVar contains an entry for this variant (Variation ID: 1475542). Invitae Evidence Modeling of protein sequence and biophysical properties (such as structural, functional, and spatial information, amino acid conservation, physicochemical variation, residue mobility, and thermodynamic stability) indicates that this missense variant is not expected to disrupt FANCB protein function with a negative predictive value of 80%. In summary, the available evidence is currently insufficient to determine the role of this variant in disease. Therefore, it has been classified as a Variant of Uncertain Significance.

NM_001018113.3(FANCB):c.664G>A (p.Val222Ile)

Gene: FANCB (FA complementation group B; minus strand). Cytogenetic location: Xp22.2.
Variant type: single nucleotide variant.
Coding change: c.664G>A on transcript NM_001018113.3 (MANE Select); coding-DNA position 664, G replaced by A.
Protein change: p.Val222Ile; replaces valine 222 with isoleucine.
Molecular consequence: missense variant.
Genome position (GRCh38, 1-based): chrX:14,864,847, C>T on the plus strand (G>A on the coding strand, the complement: FANCB is on the minus strand). VCF-style: chrX-14864847-C-T. GRCh37 (hg19) VCF-style: chrX-14882969-C-T.
Other names: c.664G>A, p.Val222Ile (NM_001324162.2, NM_152633.4); short protein forms V222I.
Identifiers: ClinVar variation 1475542 (VCV001475542.6), dbSNP rs2147446099, ClinGen allele CA412443988.